The following is an entry in ClinVar:

ClinVar aggregate classification (germline): Uncertain significance (1 of 4 stars; one submission).

Conditions:
Hypertrophic cardiomyopathy. Also called: HYPERTROPHIC MYOCARDIOPATHY. Identifiers: Orphanet 217569, MedGen C0007194, MeSH D002312, MONDO:0005045, HP:0001639.

Allele frequency attached by ClinVar (database versions not stated): gnomAD exomes below 0.00001; ExAC 0.00001.
gnomAD v4.1: 2 of 1,612,842 alleles (0.00012%); highest among the groups gnomAD compares: Non-Finnish European, 0.00017%; no homozygotes.

Submission:

Labcorp Genetics (formerly Invitae), Labcorp
Classification: Uncertain significance for Hypertrophic cardiomyopathy. Last evaluated: 2016-05-12. Review status: criteria provided, single submitter. Criteria: Invitae Variant Classification Sherloc (09022015). Collection method: clinical testing. Allele origin: germline.
Comment: Algorithms developed to predict the effect of missense changes on protein structure and function do not agree on the potential impact of this missense change (SIFT: "Deleterious"; PolyPhen-2: "Probably Damaging"; Align-GVGD: "Class C0"). In summary, this variant is a rare missense change with uncertain impact on protein function. There is no indication that it causes disease, but the available evidence is currently insufficient to prove that conclusively. Therefore, it has been classified as a Variant of Uncertain Significance. This variant is present in population databases (rs746074103, ExAC <0.01%) but has not been reported in the literature in individuals with a MYH7-related disease. This sequence change replaces glutamic acid with lysine at codon 1095 of the MYH7 protein (p.Glu1095Lys). The glutamic acid residue is highly conserved and there is a small physicochemical difference between glutamic acid and lysine.

NM_000257.4(MYH7):c.3283G>A (p.Glu1095Lys)

Gene: MYH7 (myosin heavy chain 7; minus strand). Cytogenetic location: 14q11.2.
Variant type: single nucleotide variant.
Coding change: c.3283G>A on transcript NM_000257.4 (MANE Select); coding-DNA position 3283, G replaced by A.
Protein change: p.Glu1095Lys; replaces glutamic acid 1095 with lysine.
Molecular consequence: missense variant.
Genome position (GRCh38, 1-based): chr14:23,421,011, C>T on the plus strand (G>A on the coding strand, the complement: MYH7 is on the minus strand). VCF-style: chr14-23421011-C-T. GRCh37 (hg19) VCF-style: chr14-23890220-C-T.
Other names: c.3283G>A (LRG_384t1); short protein forms E1095K.
Identifiers: ClinVar variation 407167 (VCV000407167.8), dbSNP rs746074103, ClinGen allele CA036626.